The following is an entry in ClinVar:

ClinVar aggregate classification (germline): Uncertain significance (1 of 4 stars; one submission).

Conditions:
Congenital myotonia, autosomal recessive form. Also called: BECKER DISEASE; Becker Generalized Myotonia; myotonia congenita, autosomal recessive. Identifiers: Orphanet 614, MedGen C0751360, MONDO:0009715, OMIM 255700.

Submission:

3billion
Classification: Uncertain significance for Congenital myotonia, autosomal recessive form. Last evaluated: 2025-07-28. Review status: criteria provided, single submitter. Criteria: ACMG Guidelines, 2015. Collection method: clinical testing. Allele origin: germline. Affected: yes.
Comment: The variant is not observed in the gnomAD v4.1.0 dataset. Predicted Consequence/Location: Missense variant In silico tool predictions suggest damaging effect of the variant on gene or gene product [REVEL: 0.99 (>=0.6, sensitivity 0.68 and specificity 0.92); 3Cnet: 0.97 (> 0.75, sensitivity 0.96 and precision 0.92)]. Different missense changes at the same codon (p.Glu291Gln, p.Glu291Lys) have been reported as pathogenic/likely pathogenic with strong evidence (ClinVar ID: VCV000017541, VCV003759127 /PMID: 24349310, 27415035, 8533761). Therefore, this variant is classified as VUS according to the recommendation of ACMG/AMP guideline.

Literature cited by the submitters: PubMed 24349310.

NM_000083.3(CLCN1):c.872A>G (p.Glu291Gly)

Gene: CLCN1 (chloride voltage-gated channel 1; plus strand). Cytogenetic location: 7q34.
Variant type: single nucleotide variant.
Coding change: c.872A>G on transcript NM_000083.3 (MANE Select); coding-DNA position 872, A replaced by G.
Protein change: p.Glu291Gly; replaces glutamic acid 291 with glycine.
Molecular consequence: missense variant. On other transcripts: non-coding transcript variant (1).
Genome position (GRCh38, 1-based): chr7:143,330,790, A>G. VCF-style: chr7-143330790-A-G. GRCh37 (hg19) VCF-style: chr7-143027883-A-G.
Other names: short protein forms E291G.
Identifiers: ClinVar variation 4855115 (VCV004855115.1).